The following is an entry in ClinVar:

ClinVar aggregate classification (germline): Pathogenic (1 of 4 stars; one submission).

Allele frequency attached by ClinVar (database versions not stated): gnomAD exomes 0.00001.
gnomAD v4.1: 7 of 1,614,168 alleles (0.00043%); highest among the groups gnomAD compares: Non-Finnish European, 0.00059%; no homozygotes.

Submission:

Labcorp Genetics (formerly Invitae), Labcorp
Classification: Pathogenic. Last evaluated: 2023-03-10. Review status: criteria provided, single submitter. Criteria: Invitae Variant Classification Sherloc (09022015). Collection method: clinical testing. Allele origin: germline.
Comment: For these reasons, this variant has been classified as Pathogenic. This variant disrupts the p.Asp109 amino acid residue in ABCA4. Other variant(s) that disrupt this residue have been observed in individuals with ABCA4-related conditions (PMID: 21911583), which suggests that this may be a clinically significant amino acid residue. Advanced modeling of protein sequence and biophysical properties (such as structural, functional, and spatial information, amino acid conservation, physicochemical variation, residue mobility, and thermodynamic stability) performed at Invitae indicates that this missense variant is expected to disrupt ABCA4 protein function. ClinVar contains an entry for this variant (Variation ID: 1062821). This missense change has been observed in individual(s) with Stargardt disease (PMID: 32619608). This variant is not present in population databases (gnomAD no frequency). This sequence change replaces aspartic acid, which is acidic and polar, with asparagine, which is neutral and polar, at codon 1093 of the ABCA4 protein (p.Asp1093Asn).

Literature cited by the submitters: PubMed 21911583; PubMed 32619608.

NM_000350.3(ABCA4):c.3277G>A (p.Asp1093Asn)

Gene: ABCA4 (ATP binding cassette subfamily A member 4; minus strand). Cytogenetic location: 1p22.1.
Variant type: single nucleotide variant.
Coding change: c.3277G>A on transcript NM_000350.3 (MANE Select); coding-DNA position 3277, G replaced by A.
Protein change: p.Asp1093Asn; replaces aspartic acid 1093 with asparagine.
Molecular consequence: missense variant.
Genome position (GRCh38, 1-based): chr1:94,042,812, C>T on the plus strand (G>A on the coding strand, the complement: ABCA4 is on the minus strand). VCF-style: chr1-94042812-C-T. GRCh37 (hg19) VCF-style: chr1-94508368-C-T.
Other names: c.3055G>A, p.Asp1019Asn (NM_001425324.1); short protein forms D1093N, D1019N.
Identifiers: ClinVar variation 1062821 (VCV001062821.9), dbSNP rs2101050587, ClinGen allele CA341292096.